The following is an entry in ClinVar:

NM_017613.4(DONSON):c.1490_1491del (p.Ser497fs)

Gene: DONSON (DNA replication fork stabilization factor DONSON; minus strand). Cytogenetic location: 21q22.11.
Variant type: Microsatellite.
Coding change: c.1490_1491del on transcript NM_017613.4 (MANE Select); coding-DNA positions 1490 to 1491, 2 bases deleted (CT; older notation c.1490_1491delCT).
Protein change: p.Ser497fs; shifts the reading frame from serine 497.
Molecular consequence: frameshift variant.
Genome position (GRCh38, 1-based): chr21:33,579,422-33,579,423, AG deleted on the plus strand (CT on the coding strand, the reverse complement: DONSON is on the minus strand); deleting any 2 consecutive bases within chr21:33,579,422-33,579,426 gives the same sequence; the c. name uses the placement nearest the transcript's 3' end. VCF-style (leftmost placement, unchanged base first): chr21-33579421-CAG-C. GRCh37 (hg19) VCF-style: chr21-34951727-CAG-C.
Other names: short protein forms S497fs.
Identifiers: ClinVar variation 3647468 (VCV003647468.2).

ClinVar aggregate classification (germline): Pathogenic (1 of 4 stars; one submission).

Submission:

Labcorp Genetics (formerly Invitae), Labcorp
Classification: Pathogenic. Last evaluated: 2024-03-24. Review status: criteria provided, single submitter. Criteria: Invitae Variant Classification Sherloc (09022015). Collection method: clinical testing. Allele origin: germline.
Comment: This sequence change creates a premature translational stop signal (p.Ser497Cysfs*13) in the DONSON gene. While this is not anticipated to result in nonsense mediated decay, it is expected to disrupt the last 70 amino acid(s) of the DONSON protein. This variant is not present in population databases (gnomAD no frequency). This variant has not been reported in the literature in individuals affected with DONSON-related conditions. Algorithms developed to predict the effect of sequence changes on RNA splicing suggest that this variant may create or strengthen a splice site. This variant disrupts a region of the DONSON protein in which other variant(s) (p.Glu522Argfs*36) have been determined to be pathogenic (Invitae). This suggests that this is a clinically significant region of the protein, and that variants that disrupt it are likely to be disease-causing. For these reasons, this variant has been classified as Pathogenic.